The following is an entry in ClinVar:

NC_000011.10:g.(?_19184942)_(19188314_?)del

Gene: CSRP3 (cysteine and glycine rich protein 3; minus strand). Cytogenetic location: 11p15.1.
Variant type: Deletion.
Identifiers: ClinVar variation 831881 (VCV000831881.5).

ClinVar aggregate classification (germline): Uncertain significance (1 of 4 stars; one submission).

Conditions:
Hypertrophic cardiomyopathy 12. Identifiers: MedGen C2677491, MONDO:0012804, OMIM 612124.
Dilated cardiomyopathy 1M (CMD1M). Identifiers: Orphanet 154, MedGen C1843808, MONDO:0011840, OMIM 607482.

Submission:

Labcorp Genetics (formerly Invitae), Labcorp
Classification: Uncertain significance for Hypertrophic cardiomyopathy 12; Dilated cardiomyopathy 1M. Last evaluated: 2019-03-04. Review status: criteria provided, single submitter. Criteria: Invitae Variant Classification Sherloc (09022015). Collection method: clinical testing. Allele origin: germline.
Comment: In summary, the available evidence is currently insufficient to determine the role of this variant in disease. Therefore, it has been classified as a Variant of Uncertain Significance. This variant has not been reported in the literature in individuals with CSRP3-related conditions. This variant is an in-frame deletion of the genomic region encompassing exons 4-6 of the CSRP3 gene. It preserves the integrity of the reading frame.